The following is an entry in ClinVar:

NM_000352.6(ABCC8):c.718G>A (p.Ala240Thr)

Gene: ABCC8 (ATP binding cassette subfamily C member 8; minus strand). Cytogenetic location: 11p15.1.
Variant type: single nucleotide variant.
Coding change: c.718G>A on transcript NM_000352.6 (MANE Select); coding-DNA position 718, G replaced by A.
Protein change: p.Ala240Thr; replaces alanine 240 with threonine.
Molecular consequence: missense variant. On other transcripts: non-coding transcript variant (1).
Genome position (GRCh38, 1-based): chr11:17,461,687, C>T on the plus strand (G>A on the coding strand, the complement: ABCC8 is on the minus strand). VCF-style: chr11-17461687-C-T. GRCh37 (hg19) VCF-style: chr11-17483234-C-T.
Other names: c.718G>A, p.Ala240Thr (NM_001287174.3, NM_001351295.2, NM_001351296.2 and 1 more transcripts); short protein forms A240T.
Identifiers: ClinVar variation 3629881 (VCV003629881.2).

ClinVar aggregate classification (germline): Uncertain significance. Review status: criteria provided, multiple submitters, no conflicts (2 of 4 stars). 2 submissions from 2 submitters: Uncertain significance (2). Last evaluated 2025-08-18.

Conditions:
Hyperinsulinemic hypoglycemia, familial, 1 (HHF1). Also called: Persistent hyperinsulinemic hypoglycemia of infancy; Persistent Hyperinsulinemia Hypoglycemia of Infancy; HYPERINSULINISM, FAMILIAL, WITH PANCREATIC NESIDIOBLASTOSIS; HYPOGLYCEMIA, HYPERINSULINEMIC, OF INFANCY; NESIDIOBLASTOSIS OF PANCREAS. Identifiers: Orphanet 276575, Orphanet 276598, MedGen C2931832, MONDO:0009734, OMIM 256450.

Submissions (2):

Myriad Genetics, Inc.
Classification: Uncertain significance for Hyperinsulinemic hypoglycemia, familial, 1. Last evaluated: 2025-08-18. Review status: criteria provided, single submitter. Criteria: Myriad Autosomal Dominant, Autosomal Recessive and X-Linked Classification Criteria (2023). Collection method: clinical testing. Allele origin: unknown.
Comment: NM_000352.3(ABCC8):c.718G>A(A240T) is a missense variant classified as a variant of uncertain significance in the context of familial hyperinsulinism, ABCC8-related. A240T has been observed in a case with relevant disease (PMID: 32027066). Relevant functional assessments of this variant are available in the literature (PMID: 30354297). A240T has not been observed in referenced population frequency databases. In summary, there is insufficient evidence to classify NM_000352.3(ABCC8):c.718G>A(A240T) as pathogenic or benign. Please note: this variant was assessed in the context of healthy population screening.

Women's Health and Genetics/Laboratory Corporation of America, LabCorp
Classification: Uncertain significance. Last evaluated: 2024-11-01. Review status: criteria provided, single submitter. Criteria: LabCorp Variant Classification Summary - May 2015. Collection method: clinical testing. Allele origin: germline.
Comment: Variant summary: ABCC8 c.718G>A (p.Ala240Thr) results in a non-conservative amino acid change in the encoded protein sequence. Five of five in-silico tools predict a damaging effect of the variant on protein function. The variant was absent in 251490 control chromosomes. c.718G>A has been reported in the literature in heterozygous state in individuals affected with hyperinsulinism (example: De Franco_2019) and one family affected with Pulmonary arterial hypertension (Bohnen_2018). These report(s) do not provide unequivocal conclusions about association of the variant with Familial Hyperinsulinism. At least one publication reports experimental evidence evaluating an impact on protein function. The most pronounced variant effect reduced channel current in COS7 cells (Bohnen_2018). The following publications have been ascertained in the context of this evaluation (PMID: 30354297, 32027066). No submitters have cited clinical-significance assessments for this variant to ClinVar. Based on the evidence outlined above, the variant was classified as VUS-possibly pathogenic.

Literature cited by the submitters: PubMed 30354297 (cited by Myriad Genetics, Inc. and Women's Health and Genetics/Laboratory Corporation of America, LabCorp); PubMed 32027066 (cited by Myriad Genetics, Inc. and Women's Health and Genetics/Laboratory Corporation of America, LabCorp).